The following is an entry in ClinVar:

NM_006648.4(WNK2):c.499C>T (p.Arg167Cys)

Gene: WNK2 (WNK lysine deficient protein kinase 2; plus strand). Cytogenetic location: 9q22.31.
Variant type: single nucleotide variant.
Coding change: c.499C>T on transcript NM_006648.4 (MANE Select); coding-DNA position 499, C replaced by T.
Protein change: p.Arg167Cys; replaces arginine 167 with cysteine.
Molecular consequence: missense variant.
Genome position (GRCh38, 1-based): chr9:93,185,428, C>T. VCF-style: chr9-93185428-C-T. GRCh37 (hg19) VCF-style: chr9-95947710-C-T.
Other names: c.499C>T, p.Arg167Cys (NM_001282394.3); short protein forms R167C.
Identifiers: ClinVar variation 3470697 (VCV003470697.1).

ClinVar aggregate classification (germline): Uncertain significance (1 of 4 stars; one submission).

Submission:

Ambry Genetics
Classification: Uncertain significance. Last evaluated: 2024-12-09. Review status: criteria provided, single submitter. Criteria: Ambry Variant Classification Scheme 2023. Collection method: clinical testing. Allele origin: germline.
Comment: The p.R167C variant (also known as c.499C>T), located in coding exon 1 of the WNK2 gene, results from a C to T substitution at nucleotide position 499. The arginine at codon 167 is replaced by cysteine, an amino acid with highly dissimilar properties. This amino acid position is conserved. In addition, this alteration is predicted to be tolerated by in silico analysis. Based on the available evidence, the clinical significance of this variant remains unclear.